The following is an entry in ClinVar:

ClinVar aggregate classification (germline): Likely pathogenic (1 of 4 stars; one submission).

Conditions:
Ornithine aminotransferase deficiency (GACR). Also called: HYPERORNITHINEMIA WITH GYRATE ATROPHY OF CHOROID AND RETINA; OAT DEFICIENCY; OKT DEFICIENCY; Ornithine ketoacid aminotransferase deficiency; Gyrate atrophy; Gyrate atrophy of choroid and retina. Identifiers: Orphanet 414, MedGen C0018425, MONDO:0009796, OMIM 258870.

Submission:

Natera, Inc.
Classification: Likely pathogenic for Gyrate atrophy. Last evaluated: 2024-05-16. Review status: criteria provided, single submitter. Criteria: Natera Variant Classification Schema (03/2026). Collection method: clinical testing. Allele origin: germline.
Comment: The c.234T>G variant in OAT is a nonsense variant predicted to introduce a stop codon at amino acid 78. This variant is expected to result in nonsense mediated decay, truncation, or a dysfunctional protein product. This variant is rare in the general population with a frequency below the threshold expected for the associated phenotype(s). Given the available evidence, this variant is classified as Likely Pathogenic.

NM_000274.4(OAT):c.234T>G (p.Tyr78Ter)

Gene: OAT (ornithine aminotransferase; minus strand). Cytogenetic location: 10q26.13.
Variant type: single nucleotide variant.
Coding change: c.234T>G on transcript NM_000274.4 (MANE Select); coding-DNA position 234, T replaced by G.
Protein change: p.Tyr78Ter; replaces tyrosine 78 with a stop codon.
Molecular consequence: nonsense. On other transcripts: 5 prime UTR variant (2), intron variant (1).
Genome position (GRCh38, 1-based): chr10:124,408,931, A>C on the plus strand (T>G on the coding strand, the complement: OAT is on the minus strand). VCF-style: chr10-124408931-A-C. GRCh37 (hg19) VCF-style: chr10-126097500-A-C.
Other names: c.-181T>G (NM_001171814.2); c.234T>G, p.Tyr78Ter (NM_001322965.2, NM_001322966.2, NM_001322967.2 and 3 more transcripts); c.-481T>G (NM_001322974.2); c.199+3042T>G (NM_001322971.2); short protein forms Y78*.
Identifiers: ClinVar variation 4818079 (VCV004818079.1).